The following is an entry in ClinVar:

ClinVar aggregate classification (germline): Uncertain significance. Review status: criteria provided, single submitter (1 of 4 stars). 2 submissions from 2 submitters: Uncertain significance (1). 1 of the submissions does not count toward it. Last evaluated 2025-04-02.

Conditions:
Aortic aneurysm, familial thoracic 4 (AAT4). Also called: AORTIC ANEURYSM/AORTIC DISSECTION AND PATENT DUCTUS ARTERIOSUS. Identifiers: MedGen C1851504, MONDO:0007568, OMIM 132900.

Submissions (2):

Labcorp Genetics (formerly Invitae), Labcorp
Classification: Uncertain significance for Aortic aneurysm, familial thoracic 4. Last evaluated: 2025-04-02. Review status: criteria provided, single submitter. Criteria: Invitae Variant Classification Sherloc (09022015). Collection method: clinical testing. Allele origin: germline.
Comment: This variant, c.3743_3814del, results in the deletion of 24 amino acid(s) of the MYH11 protein (p.Arg1248_Leu1271del), but otherwise preserves the integrity of the reading frame. This variant is not present in population databases (gnomAD no frequency). This variant has been observed in individual(s) with thoracic aortic aneurysm and dissection (PMID: 16444274). This variant is also known as c.3722_3793del (p.Arg1241_Leu1264del). ClinVar contains an entry for this variant (Variation ID: 14132). Algorithms developed to predict the effect of variants on gene product structure and function are not available or were not evaluated for this variant. Experimental studies have shown that this variant affects MYH11 function (PMID: 16444274). In summary, the available evidence is currently insufficient to determine the role of this variant in disease. Therefore, it has been classified as a Variant of Uncertain Significance.

OMIM
Classification: Pathogenic for AORTIC ANEURYSM, FAMILIAL THORACIC 4. Last evaluated: 2006-03-01. Review status: no assertion criteria provided. Collection method: literature only. Allele origin: germline. Not counted in ClinVar's aggregate classification.

Literature cited by the submitters: PubMed 16444274 (cited by Labcorp Genetics (formerly Invitae), Labcorp and OMIM); PubMed 11249915 (cited by OMIM).

NM_002474.3(MYH11):c.3722_3793del (p.Arg1241_Leu1264del)

Gene: MYH11 (myosin heavy chain 11; minus strand). Cytogenetic location: 16p13.11.
Variant type: Deletion.
Coding change: c.3722_3793del on transcript NM_002474.3 (MANE Select); coding-DNA positions 3722 to 3793, 72 bases deleted.
Protein change: p.Arg1241_Leu1264del.
Molecular consequence: inframe deletion.
Genome position (GRCh38, 1-based): chr16:15,726,913-15,726,984, 72 bases deleted. GRCh37 (hg19): chr16:15,820,778-15,820,849.
Other names: c.3743_3814del, p.Arg1248_Leu1271del (NM_001040113.2, NM_001040114.2); c.3722_3793del, p.Arg1241_Leu1264del (NM_022844.3).
Identifiers: ClinVar variation 14132 (VCV000014132.3), dbSNP rs1555554098, ClinGen allele CA257125.